The following is an entry in ClinVar:

ClinVar aggregate classification (germline): Likely benign. Review status: criteria provided, single submitter (1 of 4 stars). 2 submissions from 2 submitters: Likely benign (1). 1 of the submissions does not count toward it. Last evaluated 2023-01-07.

Conditions:
WDR4-related disorder. Also called: WDR4-related condition; WDR4-Related Disorders.

Allele frequency attached by ClinVar (database versions not stated): gnomAD exomes 0.00001; ExAC 0.00002; gnomAD 0.00005; TOPMed 0.00007; ESP Exome Variant Server 0.00008; 1000 Genomes Project 0.00020; 1000 Genomes Project 30x 0.00031.
gnomAD v4.1: 17 of 1,613,368 alleles (0.0011%); highest among the groups gnomAD compares: African/African-American, 0.021%; no homozygotes.

Submissions (2):

Labcorp Genetics (formerly Invitae), Labcorp
Classification: Likely benign. Last evaluated: 2023-01-07. Review status: criteria provided, single submitter. Criteria: Invitae Variant Classification Sherloc (09022015). Collection method: clinical testing. Allele origin: germline.

PreventionGenetics, part of Exact Sciences
Classification: Likely benign for WDR4-related condition. Last evaluated: 2019-02-28. Review status: no assertion criteria provided. Collection method: clinical testing. Allele origin: germline. Not counted in ClinVar's aggregate classification.
Comment: This variant is classified as likely benign based on ACMG/AMP sequence variant interpretation guidelines (Richards et al. 2015 PMID: 25741868, with internal and published modifications).

NM_018669.6(WDR4):c.105C>T (p.Leu35=)

Gene: WDR4 (WDR4 tRNA N7-guanosine methyltransferase non-catalytic subunit; minus strand). Cytogenetic location: 21q22.3.
Variant type: single nucleotide variant.
Coding change: c.105C>T on transcript NM_018669.6 (MANE Select); coding-DNA position 105, C replaced by T.
Protein change: p.Leu35=; no amino-acid change (leucine 35 retained).
Molecular consequence: synonymous variant. On other transcripts: 5 prime UTR variant (3), non-coding transcript variant (1).
Genome position (GRCh38, 1-based): chr21:42,876,752, G>A on the plus strand (C>T on the coding strand, the complement: WDR4 is on the minus strand). VCF-style: chr21-42876752-G-A. GRCh37 (hg19) VCF-style: chr21-44296862-G-A.
Other names: c.105C>T (NM_033661.4); c.105C>T, p.Leu35= (NM_001260474.2, NM_033661.5); c.-282C>T (NM_001260475.2, NM_001260476.2, NM_001260477.2 and 1 more transcripts).
Identifiers: ClinVar variation 3014897 (VCV003014897.5), dbSNP rs373268616, ClinGen allele CA10046268.
Genomic context (GRCh38, chr21:42,876,752, plus strand): 5'-CACATCTCACCCTTTATTTTCTTGTGACTTCTTTTCTGCAGCACTGCAGTCATAGATGAA[G>A]AGGCTGTCATCATCACTAAAGAGAAATAACAATAATTTTAAAAGGAGTTATCATTAGAGA-3'
Protein context (NP_061139.2, residues 25-45): TSIASSDDDS[Leu35=]FIYDCSAAEK